The following is an entry in ClinVar:

NM_000254.3(MTR):c.1651A>G (p.Asn551Asp)

Gene: MTR (5-methyltetrahydrofolate-homocysteine methyltransferase; plus strand). Cytogenetic location: 1q43.
Variant type: single nucleotide variant.
Coding change: c.1651A>G on transcript NM_000254.3 (MANE Select); coding-DNA position 1651, A replaced by G.
Protein change: p.Asn551Asp; replaces asparagine 551 with aspartic acid.
Molecular consequence: missense variant.
Genome position (GRCh38, 1-based): chr1:236,850,479, A>G. VCF-style: chr1-236850479-A-G. GRCh37 (hg19) VCF-style: chr1-237013779-A-G.
Other names: c.1651A>G, p.Asn551Asp (NM_001291939.1); c.430A>G, p.Asn144Asp (NM_001291940.2); short protein forms N144D, N551D.
Identifiers: ClinVar variation 1387916 (VCV001387916.6), dbSNP rs151031178, ClinGen allele CA1474133.

ClinVar aggregate classification (germline): Uncertain significance (1 of 4 stars; one submission).

Conditions:
Methylcobalamin deficiency type cblG (HMAG). Also called: HOMOCYSTINURIA-MEGALOBLASTIC ANEMIA DUE TO DEFECT IN COBALAMIN METABOLISM, cblG COMPLEMENTATION TYPE; HOMOCYSTINURIA-MEGALOBLASTIC ANEMIA, cblG TYPE; HOMOCYSTINURIA-MEGALOBLASTIC ANEMIA, cblG COMPLEMENTATION TYPE; Functional methionine synthase deficiency type cblG. Identifiers: Orphanet 2170, Orphanet 622, MedGen C1855128, MONDO:0009609, OMIM 250940.

Allele frequency attached by ClinVar (database versions not stated): TOPMed below 0.00001; gnomAD 0.00001; gnomAD exomes 0.00001; ExAC 0.00002; ESP Exome Variant Server 0.00008.
gnomAD v4.1: 9 of 1,613,728 alleles (0.00056%); highest among the groups gnomAD compares: Non-Finnish European, 0.00076%; no homozygotes.

Submission:

Labcorp Genetics (formerly Invitae), Labcorp
Classification: Uncertain significance for Methylcobalamin deficiency type cblG. Last evaluated: 2025-12-29. Review status: criteria provided, single submitter. Criteria: Invitae Variant Classification Sherloc (09022015). Collection method: clinical testing. Allele origin: germline.
Comment: This sequence change replaces asparagine, which is neutral and polar, with aspartic acid, which is acidic and polar, at codon 551 of the MTR protein (p.Asn551Asp). This variant is present in population databases (rs151031178, gnomAD 0.0009%). This variant has not been reported in the literature in individuals affected with MTR-related conditions. ClinVar contains an entry for this variant (Variation ID: 1387916). Invitae Evidence Modeling of protein sequence and biophysical properties (such as structural, functional, and spatial information, amino acid conservation, physicochemical variation, residue mobility, and thermodynamic stability) indicates that this missense variant is not expected to disrupt MTR protein function with a negative predictive value of 95%. In summary, the available evidence is currently insufficient to determine the role of this variant in disease. Therefore, it has been classified as a Variant of Uncertain Significance.